The following is an entry in ClinVar:

ClinVar aggregate classification (germline): Uncertain significance (1 of 4 stars; one submission).

Allele frequency attached by ClinVar (database versions not stated): gnomAD exomes below 0.00001.

Submission:

GeneDx
Classification: Uncertain significance. Last evaluated: 2016-11-22. Review status: criteria provided, single submitter. Criteria: GeneDx Variant Classification (06012015). Collection method: clinical testing. Allele origin: germline. Affected: yes.
Comment: The V1505I variant in the DEPDC5 gene has not been reported previously as a pathogenic variant, nor as a benign variant, to our knowledge. The V1505I variant was not observed in approximately 6100 individuals of European and African American ancestry in the NHLBI Exome Sequencing Project, indicating it is not a common benign variant in these populations. The V1505I variant is a conservative amino acid substitution, which is not likely to impact secondary protein structure as these residues share similar properties. This substitution occurs at a position where amino acids with similar properties to Valine are tolerated across species. In silico analysis is inconsistent in its predictions as to whether or not the variant is damaging to the protein structure/function. We interpret V1505I as a variant of uncertain significance

NM_001242896.3(DEPDC5):c.4513G>A (p.Val1505Ile)

Gene: DEPDC5 (DEP domain containing 5, GATOR1 subcomplex subunit; plus strand). Cytogenetic location: 22q12.3.
Variant type: single nucleotide variant.
Coding change: c.4513G>A on transcript NM_001242896.3 (MANE Select); coding-DNA position 4513, G replaced by A.
Protein change: p.Val1505Ile; replaces valine 1505 with isoleucine.
Molecular consequence: missense variant. On other transcripts: non-coding transcript variant (5).
Genome position (GRCh38, 1-based): chr22:31,906,060, G>A. VCF-style: chr22-31906060-G-A. GRCh37 (hg19) VCF-style: chr22-32302046-G-A.
Other names: c.4486G>A, p.Val1496Ile (NM_001136029.4); c.4213G>A, p.Val1405Ile (NM_001242897.2); c.4447G>A, p.Val1483Ile (NM_001363852.2, NM_001364320.2); c.4279G>A, p.Val1427Ile (NM_001363854.2, NM_001364319.2); c.4513G>A, p.Val1505Ile (NM_001364318.2); c.4429G>A, p.Val1477Ile (NM_001369901.1, NM_001369902.1); c.4420G>A, p.Val1474Ile (NM_001369903.1, NM_014662.6); short protein forms V1405I, V1505I, V1496I, V1474I, V1483I, V1427I, V1477I.
Identifiers: ClinVar variation 373133 (VCV000373133.1), dbSNP rs1057518240, ClinGen allele CA16043153.